The following is an entry in ClinVar:

ClinVar aggregate classification (germline): Pathogenic (1 of 4 stars; one submission).

Conditions:
Maple syrup urine disease (MSUD). Identifiers: Orphanet 511, MedGen C0024776, MeSH D008375, MONDO:0009563. Disease mechanism: loss of function.

Submission:

Labcorp Genetics (formerly Invitae), Labcorp
Classification: Pathogenic for Maple syrup urine disease. Last evaluated: 2018-10-03. Review status: criteria provided, single submitter. Criteria: Invitae Variant Classification Sherloc (09022015). Collection method: clinical testing. Allele origin: germline.
Comment: This sequence change creates a premature translational stop signal (p.Arg24Leufs*6) in the BCKDHB gene. It is expected to result in an absent or disrupted protein product. The frequency data for this variant in the population databases is considered unreliable, as metrics indicate insufficient coverage at this position in the ExAC database. This variant has not been reported in the literature in individuals with BCKDHB-related disease. Loss-of-function variants in BCKDHB are known to be pathogenic (PMID: 16786533, 22593002). For these reasons, this variant has been classified as Pathogenic.

NM_183050.4(BCKDHB):c.70_71insTTCCTGGCAGGGGCTGAGGA (p.Arg24delinsLeuProGlyArgGlyTer)

Gene: BCKDHB (branched chain keto acid dehydrogenase E1 subunit beta; plus strand). Cytogenetic location: 6q14.1.
Variant type: Insertion.
Coding change: c.70_71insTTCCTGGCAGGGGCTGAGGA on transcript NM_183050.4 (MANE Select); coding-DNA positions 70 to 71, TTCCTGGCAGGGGCTGAGGA inserted.
Protein change: p.Arg24delinsLeuProGlyArgGlyTer.
Molecular consequence: nonsense. On other transcripts: non-coding transcript variant (1), intron variant (1).
Genome position: GRCh38 VCF-style: chr6-80106763-C-CTTCCTGGCAGGGGCTGAGGA. GRCh37 (hg19) VCF-style: chr6-80816480-C-CTTCCTGGCAGGGGCTGAGGA.
Other names: c.70_71insTTCCTGGCAGGGGCTGAGGA, p.Arg24delinsLeuProGlyArgGlyTer (NM_000056.5); c.-15+80_-15+81insTTCCTGGCAGGGGCTGAGGA (NM_001318975.1).
Identifiers: ClinVar variation 653956 (VCV000653956.1), dbSNP rs1582146989, ClinGen allele CA915944361.